The following is an entry in ClinVar:

ClinVar aggregate classification (germline): Uncertain significance (1 of 4 stars; one submission).

Conditions:
Gastrointestinal stromal tumor. Also called: Gastrointestinal stromal tumor, somatic; Gastrointestinal stroma tumor. Identifiers: Orphanet 44890, MedGen C0238198, MeSH D046152, MONDO:0011719, OMIM 606764, HP:0100723.

Submission:

Labcorp Genetics (formerly Invitae), Labcorp
Classification: Uncertain significance for Gastrointestinal stromal tumor. Last evaluated: 2019-05-02. Review status: criteria provided, single submitter. Criteria: Invitae Variant Classification Sherloc (09022015). Collection method: clinical testing. Allele origin: germline.
Comment: This sequence change replaces histidine with tyrosine at codon 116 of the PDGFRA protein (p.His116Tyr). The histidine residue is weakly conserved and there is a moderate physicochemical difference between histidine and tyrosine. This variant is not present in population databases (ExAC no frequency). This variant has not been reported in the literature in individuals with PDGFRA-related conditions. Algorithms developed to predict the effect of missense changes on protein structure and function (SIFT, PolyPhen-2, Align-GVGD) all suggest that this variant is likely to be tolerated, but these predictions have not been confirmed by published functional studies and their clinical significance is uncertain. Algorithms developed to predict the effect of sequence changes on RNA splicing suggest that this variant may create or strengthen a splice site, but this prediction has not been confirmed by published transcriptional studies. In summary, the available evidence is currently insufficient to determine the role of this variant in disease. Therefore, it has been classified as a Variant of Uncertain Significance.

NM_006206.6(PDGFRA):c.346C>T (p.His116Tyr)

Gene: PDGFRA (platelet derived growth factor receptor alpha; plus strand). Cytogenetic location: 4q12.
Variant type: single nucleotide variant.
Coding change: c.346C>T on transcript NM_006206.6 (MANE Select); coding-DNA position 346, C replaced by T.
Protein change: p.His116Tyr; replaces histidine 116 with tyrosine.
Molecular consequence: missense variant.
Genome position (GRCh38, 1-based): chr4:54,261,391, C>T. VCF-style: chr4-54261391-C-T. GRCh37 (hg19) VCF-style: chr4-55127558-C-T.
Other names: c.346C>T, p.His116Tyr (NM_001347827.2, NM_001347829.2); c.421C>T, p.His141Tyr (NM_001347828.2); c.385C>T, p.His129Tyr (NM_001347830.2); short protein forms H116Y, H141Y, H129Y.
Identifiers: ClinVar variation 949871 (VCV000949871.10), dbSNP rs1722707811, ClinGen allele CA356889044.